The following is an entry in ClinVar:

NM_022114.4(PRDM16):c.2694G>A (p.Met898Ile)

Gene: PRDM16 (PR/SET domain 16; plus strand). Cytogenetic location: 1p36.32.
Variant type: single nucleotide variant.
Coding change: c.2694G>A on transcript NM_022114.4 (MANE Select); coding-DNA position 2694, G replaced by A.
Protein change: p.Met898Ile; replaces methionine 898 with isoleucine.
Molecular consequence: missense variant.
Genome position (GRCh38, 1-based): chr1:3,417,830, G>A. VCF-style: chr1-3417830-G-A. GRCh37 (hg19) VCF-style: chr1-3334394-G-A.
Other names: c.2694G>A, p.Met898Ile (NM_199454.3); short protein forms M898I.
Identifiers: ClinVar variation 839392 (VCV000839392.10), dbSNP rs759958364, ClinGen allele CA544583.

ClinVar aggregate classification (germline): Uncertain significance (1 of 4 stars; one submission).

Conditions:
Left ventricular noncompaction 8 (LVNC8). Identifiers: Orphanet 154, Orphanet 54260, MedGen C3809288, MONDO:0014152, OMIM 615373.

Allele frequency attached by ClinVar (database versions not stated): gnomAD exomes below 0.00001; ExAC 0.00001; TOPMed 0.00001.
gnomAD v4.1: 1 of 1,613,604 alleles (0.000062%); highest among the groups gnomAD compares: African/African-American, 0.0013%; no homozygotes.

Submission:

Labcorp Genetics (formerly Invitae), Labcorp
Classification: Uncertain significance for Left ventricular noncompaction 8. Last evaluated: 2024-04-01. Review status: criteria provided, single submitter. Criteria: Invitae Variant Classification Sherloc (09022015). Collection method: clinical testing. Allele origin: germline.
Comment: This sequence change replaces methionine, which is neutral and non-polar, with isoleucine, which is neutral and non-polar, at codon 898 of the PRDM16 protein (p.Met898Ile). This variant is present in population databases (rs759958364, gnomAD 0.01%). This variant has not been reported in the literature in individuals affected with PRDM16-related conditions. ClinVar contains an entry for this variant (Variation ID: 839392). An algorithm developed to predict the effect of missense changes on protein structure and function (PolyPhen-2) suggests that this variant is likely to be tolerated. In summary, the available evidence is currently insufficient to determine the role of this variant in disease. Therefore, it has been classified as a Variant of Uncertain Significance.